The following is an entry in ClinVar:

ClinVar aggregate classification (germline): Uncertain significance (1 of 4 stars; one submission).

Allele frequency attached by ClinVar (database versions not stated): TOPMed below 0.00001.

Submission:

Labcorp Genetics (formerly Invitae), Labcorp
Classification: Uncertain significance. Last evaluated: 2023-09-09. Review status: criteria provided, single submitter. Criteria: Invitae Variant Classification Sherloc (09022015). Collection method: clinical testing. Allele origin: germline.
Comment: This sequence change replaces glutamic acid, which is acidic and polar, with aspartic acid, which is acidic and polar, at codon 1057 of the AMER1 protein (p.Glu1057Asp). This variant is not present in population databases (gnomAD no frequency). In summary, the available evidence is currently insufficient to determine the role of this variant in disease. Therefore, it has been classified as a Variant of Uncertain Significance. Algorithms developed to predict the effect of missense changes on protein structure and function output the following: SIFT: "Not Available"; PolyPhen-2: "Benign"; Align-GVGD: "Not Available". The aspartic acid amino acid residue is found in multiple mammalian species, which suggests that this missense change does not adversely affect protein function. This variant has not been reported in the literature in individuals affected with AMER1-related conditions.

NM_152424.4(AMER1):c.3171G>C (p.Glu1057Asp)

Gene: AMER1 (APC membrane recruitment protein 1; minus strand). Cytogenetic location: Xq11.2.
Variant type: single nucleotide variant.
Coding change: c.3171G>C on transcript NM_152424.4 (MANE Select); coding-DNA position 3171, G replaced by C.
Protein change: p.Glu1057Asp; replaces glutamic acid 1057 with aspartic acid.
Molecular consequence: missense variant.
Genome position (GRCh38, 1-based): chrX:64,190,116, C>G on the plus strand (G>C on the coding strand, the complement: AMER1 is on the minus strand). VCF-style: chrX-64190116-C-G. GRCh37 (hg19) VCF-style: chrX-63409996-C-G.
Other names: short protein forms E1057D.
Identifiers: ClinVar variation 2971727 (VCV002971727.3), dbSNP rs1930209384, ClinGen allele CA413301374.
Genomic context (GRCh38, chrX:64,190,116, plus strand): 5'-AGGCTTGGCCTGTGGTAGAGGGCTGGGGCTGAAGCCTCCAGAACTGGAAGAGCAACTGGG[C>G]TCATCAACAGGCAGCAGCACATCTCGAGGCCTGGCCCTCATGCTCTGGGAGGCCTGTGGC-3'
Protein context (NP_689637.3, residues 1047-1067): RPRDVLLPVD[Glu1057Asp]PSCSSSSGGF